The following is an entry in ClinVar:

ClinVar aggregate classification (germline): Likely benign. Review status: criteria provided, single submitter (1 of 4 stars). 2 submissions from 2 submitters: Likely benign (1). 1 of the submissions does not count toward it. Last evaluated 2024-01-02.

Conditions:
PCNT-related disorder. Also called: PCNT-related condition.

Allele frequency attached by ClinVar (database versions not stated): TOPMed below 0.00001; gnomAD 0.00001; gnomAD exomes 0.00001; ExAC 0.00002.

Submissions (2):

Labcorp Genetics (formerly Invitae), Labcorp
Classification: Likely benign. Last evaluated: 2024-01-02. Review status: criteria provided, single submitter. Criteria: Invitae Variant Classification Sherloc (09022015). Collection method: clinical testing. Allele origin: germline.

PreventionGenetics, part of Exact Sciences
Classification: Likely benign for PCNT-related condition. Last evaluated: 2020-09-10. Review status: no assertion criteria provided. Collection method: clinical testing. Allele origin: germline. Not counted in ClinVar's aggregate classification.
Comment: This variant is classified as likely benign based on ACMG/AMP sequence variant interpretation guidelines (Richards et al. 2015 PMID: 25741868, with internal and published modifications).

NM_006031.6(PCNT):c.2298G>A (p.Lys766=)

Gene: PCNT (pericentrin; plus strand). Cytogenetic location: 21q22.3.
Variant type: single nucleotide variant.
Coding change: c.2298G>A on transcript NM_006031.6 (MANE Select); coding-DNA position 2298, G replaced by A.
Protein change: p.Lys766=; no amino-acid change (lysine 766 retained).
Molecular consequence: synonymous variant.
Genome position (GRCh38, 1-based): chr21:46,363,623, G>A. VCF-style: chr21-46363623-G-A. GRCh37 (hg19) VCF-style: chr21-47783538-G-A.
Other names: c.2298G>A (NM_006031.5); c.1944G>A, p.Lys648= (NM_001315529.2).
Identifiers: ClinVar variation 1918360 (VCV001918360.7), dbSNP rs762613495, ClinGen allele CA10078943.